The following is an entry in ClinVar:

NM_001376.5(DYNC1H1):c.5310C>T (p.Gly1770=)

Gene: DYNC1H1 (dynein cytoplasmic 1 heavy chain 1; plus strand). Cytogenetic location: 14q32.31.
Variant type: single nucleotide variant.
Coding change: c.5310C>T on transcript NM_001376.5 (MANE Select); coding-DNA position 5310, C replaced by T.
Protein change: p.Gly1770=; no amino-acid change (glycine 1770 retained).
Molecular consequence: synonymous variant.
Genome position (GRCh38, 1-based): chr14:102,005,113, C>T. VCF-style: chr14-102005113-C-T. GRCh37 (hg19) VCF-style: chr14-102471450-C-T.
Other names: p.Gly1770=.
Identifiers: ClinVar variation 512261 (VCV000512261.29), dbSNP rs34013442, ClinGen allele CA7352397.

ClinVar aggregate classification (germline): Benign/Likely benign. Review status: criteria provided, multiple submitters, no conflicts (2 of 4 stars). 8 submissions from 8 submitters: Benign (3); Likely benign (4). 1 of the submissions does not count toward it. Last evaluated 2026-01-24.

Conditions:
Charcot-Marie-Tooth disease axonal type 2O. Also called: Charcot-Marie-Tooth Neuropathy Type 2O; CHARCOT-MARIE-TOOTH NEUROPATHY, AXONAL, TYPE 2O; CHARCOT-MARIE-TOOTH DISEASE, AXONAL, AUTOSOMAL DOMINANT, TYPE 2O; Charcot-Marie-Tooth disease, axonal, type 20. Identifiers: Orphanet 284232, MedGen C3280220, MONDO:0013644, OMIM 614228.
DYNC1H1-related disorder. Also called: DYNC1H1-related condition; DYNC1H1-related disorders. Identifiers: MedGen CN381529.
Inborn genetic diseases. Identifiers: MedGen C0950123, MeSH D030342.

Allele frequency attached by ClinVar (database versions not stated): gnomAD exomes 0.00016 and 0.00006; ExAC 0.00021; ESP Exome Variant Server 0.00038; 1000 Genomes Project 0.00060; 1000 Genomes Project 30x 0.00062; gnomAD 0.00073 and 0.00078; TOPMed 0.00078.
gnomAD v4.1: 208 of 1,614,126 alleles (0.013%); highest among the groups gnomAD compares: African/African-American, 0.24%; no homozygotes.

Submissions (8):

Labcorp Genetics (formerly Invitae), Labcorp
Classification: Benign for Charcot-Marie-Tooth disease axonal type 2O. Last evaluated: 2026-01-24. Review status: criteria provided, single submitter. Criteria: Invitae Variant Classification Sherloc (09022015). Collection method: clinical testing. Allele origin: germline.

Mayo Clinic Laboratories, Mayo Clinic
Classification: Likely benign. Last evaluated: 2025-06-09. Review status: criteria provided, single submitter. Criteria: ACMG Guidelines, 2015. Collection method: clinical testing. Allele origin: germline. Observed: 1 variant allele.
Comment: BS1, BP4, BP7

Blueprint Genetics
Classification: Likely benign. Last evaluated: 2024-05-16. Review status: criteria provided, single submitter. Criteria: ACMG Guidelines, 2015. Collection method: clinical testing. Allele origin: germline.

GeneDx
Classification: Benign. Last evaluated: 2020-03-13. Review status: criteria provided, single submitter. Criteria: GeneDx Variant Classification Process June 2021. Collection method: clinical testing. Allele origin: germline. Affected: yes.

ARUP Laboratories, Molecular Genetics and Genomics, ARUP Laboratories
Classification: Likely benign. Last evaluated: 2019-07-25. Review status: criteria provided, single submitter. Criteria: ARUP Molecular Germline Variant Investigation Process. Collection method: clinical testing. Allele origin: germline.

Athena Diagnostics
Classification: Benign. Last evaluated: 2017-09-25. Review status: criteria provided, single submitter. Criteria: Athena Diagnostics Criteria. Collection method: clinical testing. Allele origin: germline.

Ambry Genetics
Classification: Likely benign for Inborn genetic diseases. Last evaluated: 2016-08-11. Review status: criteria provided, single submitter. Criteria: Ambry Variant Classification Scheme 2023. Collection method: clinical testing. Allele origin: germline.

PreventionGenetics, part of Exact Sciences
Classification: Likely benign for DYNC1H1-related condition. Last evaluated: 2024-01-05. Review status: no assertion criteria provided. Collection method: clinical testing. Allele origin: germline. Not counted in ClinVar's aggregate classification.
Comment: This variant is classified as likely benign based on ACMG/AMP sequence variant interpretation guidelines (Richards et al. 2015 PMID: 25741868, with internal and published modifications).